The following is an entry in ClinVar:

NM_017777.4(MKS1):c.1497del (p.Phe499fs)

Gene: MKS1 (MKS transition zone complex subunit 1; minus strand). Cytogenetic location: 17q22.
Variant type: Deletion.
Coding change: c.1497del on transcript NM_017777.4 (MANE Select); coding-DNA position 1497, one base deleted (C; older notation c.1497delC).
Protein change: p.Phe499fs; shifts the reading frame from phenylalanine 499.
Molecular consequence: frameshift variant.
Genome position (GRCh38, 1-based): chr17:58,206,374, G deleted on the plus strand (C on the coding strand, the reverse complement: MKS1 is on the minus strand). VCF-style (leftmost placement, unchanged base first): chr17-58206373-TG-T. GRCh37 (hg19) VCF-style: chr17-56283734-TG-T.
Other names: c.888del, p.Phe296fs (NM_001321268.2); c.1414del, p.His472fs (NM_001321269.2); c.1280del, p.Ser427fs (NM_001330397.2); c.1497delC (NM_017777.3); short protein forms F296fs, F499fs, S427fs, H472fs.
Identifiers: ClinVar variation 555641 (VCV000555641.8), dbSNP rs780161503, ClinGen allele CA8669098.

ClinVar aggregate classification (germline): Conflicting classifications of pathogenicity. Review status: criteria provided, conflicting classifications (1 of 4 stars). 6 submissions from 6 submitters: Likely pathogenic (4); Uncertain significance (1). 1 of the submissions does not count toward it. Last evaluated 2024-06-26.

Conditions:
Meckel syndrome, type 1 (MKS1). Also called: MECKEL-GRUBER SYNDROME, TYPE 1. Identifiers: Orphanet 564, MedGen C3714506, MONDO:0009571, OMIM 249000.
Bardet-Biedl syndrome 13 (BBS13). Identifiers: Orphanet 110, MedGen C2673873, MONDO:0014441, OMIM 615990.
Joubert syndrome 28 (JBTS28). Identifiers: MedGen C4310705, MONDO:0014928, OMIM 617121.
MKS1-related disorder. Also called: MKS1-related condition; MKS1-related disorders. Identifiers: MedGen CN239382.
Joubert syndrome. Also called: Familial aplasia of the vermis; JOUBERT-BOLTSHAUSER SYNDROME. Identifiers: Orphanet 475, MedGen C5979921, MONDO:0018772.
Meckel-Gruber syndrome. Also called: Dysencephalia splachnocystica; DYSENCEPHALIA SPLANCHNOCYSTICA; GRUBER SYNDROME. Identifiers: Orphanet 564, MedGen C0265215, MONDO:0018921.

Allele frequency attached by ClinVar (database versions not stated): ExAC 0.00001; gnomAD 0.00001; gnomAD exomes 0.00001 and 0.00003; TOPMed 0.00002.

Submissions (6):

Natera, Inc.
Classification: Likely pathogenic for Meckel syndrome type 1. Last evaluated: 2024-06-26. Review status: criteria provided, single submitter. Criteria: Natera Variant Classification Schema (03/2026). Collection method: clinical testing. Allele origin: germline.
Comment: The c.1497delC variant in MKS1 is a frameshift variant predicted to shift the reading frame beginning at codon 499 and leads to a stop codon 31 codons downstream. This variant is expected to result in nonsense mediated decay, truncation, or a dysfunctional protein product. This variant is rare in the general population with a frequency below the threshold expected for the associated phenotype(s). Given the available evidence, this variant is classified as Likely Pathogenic.

Baylor Genetics
Classification: Likely pathogenic for Bardet-Biedl syndrome 13. Last evaluated: 2023-05-29. Review status: criteria provided, single submitter. Criteria: ACMG Guidelines, 2015. Collection method: clinical testing. Allele origin: unknown.

Labcorp Genetics (formerly Invitae), Labcorp
Classification: Uncertain significance for Joubert syndrome; Meckel-Gruber syndrome. Last evaluated: 2022-09-13. Review status: criteria provided, single submitter. Criteria: Invitae Variant Classification Sherloc (09022015). Collection method: clinical testing. Allele origin: germline.
Comment: This sequence change creates a premature translational stop signal (p.Phe499Leufs*31) in the MKS1 gene. While this is not anticipated to result in nonsense mediated decay, it is expected to disrupt the last 61 amino acid(s) of the MKS1 protein. This variant is present in population databases (rs780161503, gnomAD 0.002%). This variant has not been reported in the literature in individuals affected with MKS1-related conditions. ClinVar contains an entry for this variant (Variation ID: 555641). In summary, the available evidence is currently insufficient to determine the role of this variant in disease. Therefore, it has been classified as a Variant of Uncertain Significance.

GeneDx
Classification: Likely pathogenic. Last evaluated: 2022-07-26. Review status: criteria provided, single submitter. Criteria: GeneDx Variant Classification Process June 2021. Collection method: clinical testing. Allele origin: germline. Affected: yes.
Comment: Frameshift variant predicted to result in protein truncation, as the last 61 amino acids are replaced with 30 different amino acids, and other loss-of-function variants have been reported downstream in HGMD; Not observed at significant frequency in large population cohorts (gnomAD); Has not been previously published as pathogenic or benign to our knowledge

Blueprint Genetics
Classification: Likely pathogenic for MKS1-related disorders. Last evaluated: 2019-02-23. Review status: criteria provided, single submitter. Criteria: ACMG Guidelines, 2015. Collection method: clinical testing. Allele origin: germline. Affected: yes. Observed: 1 variant allele.

Counsyl
Classification: Uncertain significance for Meckel syndrome, type 1; Bardet-Biedl syndrome 13; Joubert syndrome 28. Last evaluated: 2017-12-22. Review status: no assertion criteria provided. Collection method: clinical testing. Allele origin: unknown. Not counted in ClinVar's aggregate classification.

Literature cited by the submitters: PubMed 26490104 (cited by Counsyl); PubMed 24608809 (cited by Counsyl); PubMed 24886560 (cited by Counsyl).